The following is an entry in ClinVar:

ClinVar aggregate classification (germline): Uncertain significance (1 of 4 stars; one submission).

gnomAD v4.1: 72 of 1,613,788 alleles (0.0045%); highest among the groups gnomAD compares: East Asian, 0.0067%; no homozygotes.

Submission:

Labcorp Genetics (formerly Invitae), Labcorp
Classification: Uncertain significance. Last evaluated: 2025-10-27. Review status: criteria provided, single submitter. Criteria: Invitae Variant Classification Sherloc (09022015). Collection method: clinical testing. Allele origin: germline.
Comment: This sequence change replaces glycine, which is neutral and non-polar, with arginine, which is basic and polar, at codon 3 of the KCNN4 protein (p.Gly3Arg). This variant is present in population databases (rs199514640, gnomAD 0.01%). This variant has not been reported in the literature in individuals affected with KCNN4-related conditions. Experimental studies and prediction algorithms are not available or were not evaluated, and the functional significance of this variant is currently unknown. In summary, the available evidence is currently insufficient to determine the role of this variant in disease. Therefore, it has been classified as a Variant of Uncertain Significance.

NM_002250.3(KCNN4):c.7G>A (p.Gly3Arg)

Gene: KCNN4 (potassium calcium-activated channel subfamily N member 4; minus strand). Cytogenetic location: 19q13.31.
Variant type: single nucleotide variant.
Coding change: c.7G>A on transcript NM_002250.3 (MANE Select); coding-DNA position 7, G replaced by A.
Protein change: p.Gly3Arg; replaces glycine 3 with arginine.
Molecular consequence: missense variant.
Genome position (GRCh38, 1-based): chr19:43,780,855, C>T on the plus strand (G>A on the coding strand, the complement: KCNN4 is on the minus strand). VCF-style: chr19-43780855-C-T. GRCh37 (hg19) VCF-style: chr19-44285007-C-T.
Other names: short protein forms G3R.
Identifiers: ClinVar variation 4797911 (VCV004797911.1).